The following is an entry in ClinVar:

NM_002034.2(FUT5):c.651G>A (p.Ser217=)

Gene: FUT5 (fucosyltransferase 5; minus strand). Cytogenetic location: 19p13.3.
Variant type: single nucleotide variant.
Coding change: c.651G>A on transcript NM_002034.2 (MANE Select); coding-DNA position 651, G replaced by A.
Protein change: p.Ser217=; no amino-acid change (serine 217 retained).
Molecular consequence: synonymous variant.
Genome position (GRCh38, 1-based): chr19:5,867,075, C>T on the plus strand (G>A on the coding strand, the complement: FUT5 is on the minus strand). VCF-style: chr19-5867075-C-T. GRCh37 (hg19) VCF-style: chr19-5867086-C-T.
Identifiers: ClinVar variation 2649127 (VCV002649127.24), dbSNP rs189013086, ClinGen allele CA9118623.

ClinVar aggregate classification (germline): Likely benign (1 of 4 stars; one submission).

Allele frequency attached by ClinVar (database versions not stated): 1000 Genomes Project 30x 0.00390.

Submission:

CeGaT Center for Human Genetics Tuebingen
Classification: Likely benign. Last evaluated: 2026-08-01. Review status: criteria provided, single submitter. Criteria: CeGaT Center For Human Genetics Tuebingen Variant Classification Criteria Version 2. Collection method: clinical testing. Allele origin: germline. Affected: yes. Observed: 4 variant alleles.
Comment: FUT5: BP4, BP7